The following is an entry in ClinVar:

ClinVar aggregate classification (germline): Pathogenic/Likely pathogenic. Review status: criteria provided, multiple submitters, no conflicts (2 of 4 stars). 5 submissions from 5 submitters: Pathogenic (1); Likely pathogenic (4). Last evaluated 2025-01-21.

Conditions:
Pituitary adenoma 5, multiple types. Identifiers: MedGen C4539685, MONDO:0054601, OMIM 617540.
Usher syndrome. Also called: Usher's syndrome; Usher Syndromes. Identifiers: Orphanet 886, MedGen CN469326, MeSH D052245, MONDO:0019501. Disease mechanism: loss of function.
Usher syndrome type 1 (USH1). Also called: RETINITIS PIGMENTOSA AND CONGENITAL DEAFNESS. Identifiers: Orphanet 231169, Orphanet 886, MedGen C1568247, MONDO:0010168, OMIM 276900.
Autosomal recessive nonsyndromic hearing loss 12. Also called: DEAFNESS, AUTOSOMAL RECESSIVE 12. Identifiers: Orphanet 90636, MedGen C1832394, MONDO:0011067, OMIM 601386.
Usher syndrome type 1D (USH1D). Also called: USHER SYNDROME, TYPE ID. Identifiers: Orphanet 231169, Orphanet 886, MedGen C1832845, MONDO:0010984, OMIM 601067.

Submissions (5):

Natera, Inc.
Classification: Likely pathogenic for Usher syndrome type 1. Last evaluated: 2025-01-21. Review status: criteria provided, single submitter. Criteria: Natera Variant Classification Schema (03/2026). Collection method: clinical testing. Allele origin: germline.
Comment: The c.6831delC variant in CDH23 is a frameshift variant predicted to shift the reading frame beginning at codon 2278 and leads to a stop codon 2 codons downstream. This variant is expected to result in nonsense mediated decay, truncation, or a dysfunctional protein product. This variant is rare in the general population with a frequency below the threshold expected for the associated phenotype(s). Given the available evidence, this variant is classified as Likely Pathogenic.

Fulgent Genetics
Classification: Likely pathogenic for Usher syndrome type 1D; Autosomal recessive nonsyndromic hearing loss 12; Pituitary adenoma 5, multiple types. Last evaluated: 2024-05-31. Review status: criteria provided, single submitter. Criteria: ACMG Guidelines, 2015. Collection method: clinical testing. Allele origin: germline.

Labcorp Genetics (formerly Invitae), Labcorp
Classification: Pathogenic. Last evaluated: 2024-01-30. Review status: criteria provided, single submitter. Criteria: Invitae Variant Classification Sherloc (09022015). Collection method: clinical testing. Allele origin: germline.
Comment: This sequence change creates a premature translational stop signal (p.Lys2278Serfs*2) in the CDH23 gene. It is expected to result in an absent or disrupted protein product. Loss-of-function variants in CDH23 are known to be pathogenic (PMID: 11138009, 21940737). This variant is present in population databases (no rsID available, gnomAD 0.0009%). This premature translational stop signal has been observed in individual(s) with inherited retinal disease (PMID: 36460718). ClinVar contains an entry for this variant (Variation ID: 644771). Algorithms developed to predict the effect of sequence changes on RNA splicing suggest that this variant may disrupt the consensus splice site. For these reasons, this variant has been classified as Pathogenic.

Women's Health and Genetics/Laboratory Corporation of America, LabCorp
Classification: Likely pathogenic for Usher syndrome. Last evaluated: 2023-04-17. Review status: criteria provided, single submitter. Criteria: LabCorp Variant Classification Summary - May 2015. Collection method: clinical testing. Allele origin: germline.
Comment: Variant summary: CDH23 c.6831delC (p.Lys2278SerfsX2) results in a premature termination codon, predicted to cause a truncation of the encoded protein or absence of the protein due to nonsense mediated decay, which are commonly known mechanisms for disease. Truncations downstream of this position are classified as pathogenic in ClinVar. The variant allele was found at a frequency of 4e-06 in 249194 control chromosomes. c.6831delC has been reported in the literature in an individual affected with Usher Syndrome (Colombo_2021). To our knowledge, no experimental evidence demonstrating an impact on protein function has been reported. One submitter has provided a clinical-significance assessments for this variant to ClinVar after 2014, and classified the variant as pathogenic. Based on the evidence outlined above, the variant was classified as likely pathogenic.

Baylor Genetics
Classification: Likely pathogenic for Pituitary adenoma 5, multiple types. Last evaluated: 2021-11-08. Review status: criteria provided, single submitter. Criteria: ACMG Guidelines, 2015. Collection method: clinical testing. Allele origin: unknown.

Literature cited by the submitters: PubMed 11138009 (cited by Labcorp Genetics (formerly Invitae), Labcorp); PubMed 21940737 (cited by Labcorp Genetics (formerly Invitae), Labcorp); PubMed 36460718 (cited by Labcorp Genetics (formerly Invitae), Labcorp); PubMed 33576794 (cited by Women's Health and Genetics/Laboratory Corporation of America, LabCorp).

NM_022124.6(CDH23):c.6831del (p.Lys2278fs)

Gene: CDH23 (cadherin related 23; plus strand). Cytogenetic location: 10q22.1.
Variant type: Deletion.
Coding change: c.6831del on transcript NM_022124.6 (MANE Select); coding-DNA position 6831, one base deleted (C; older notation c.6831delC).
Protein change: p.Lys2278fs; shifts the reading frame from lysine 2278.
Molecular consequence: frameshift variant.
Genome position (GRCh38, 1-based): chr10:71,798,355, C deleted; the last of 2 consecutive C bases (chr10:71,798,354-71,798,355); deleting either gives the same sequence. VCF-style (leftmost placement, unchanged base first): chr10-71798353-GC-G. GRCh37 (hg19) VCF-style: chr10-73558110-GC-G.
Other names: c.111del, p.Lys38fs (NM_001171933.1, NM_001171934.1); c.6830del (NM_022124.6); c.6831delC (NM_022124.5); short protein forms K2278fs, K38fs.
Identifiers: ClinVar variation 644771 (VCV000644771.10), dbSNP rs1200012430, ClinGen allele CA594706160.